The following is an entry in ClinVar:

NM_015665.6(AAAS):c.591G>A (p.Ala197=)

Gene: AAAS (aladin WD repeat nucleoporin; minus strand). Cytogenetic location: 12q13.13.
Variant type: single nucleotide variant.
Coding change: c.591G>A on transcript NM_015665.6 (MANE Select); coding-DNA position 591, G replaced by A.
Protein change: p.Ala197=; no amino-acid change (alanine 197 retained).
Molecular consequence: synonymous variant.
Genome position (GRCh38, 1-based): chr12:53,314,396, C>T on the plus strand (G>A on the coding strand, the complement: AAAS is on the minus strand). VCF-style: chr12-53314396-C-T. GRCh37 (hg19) VCF-style: chr12-53708180-C-T.
Other names: c.492G>A, p.Ala164= (NM_001173466.2).
Identifiers: ClinVar variation 2643046 (VCV002643046.27), dbSNP rs78212742, ClinGen allele CA6599150.

ClinVar aggregate classification (germline): Likely benign. Review status: criteria provided, multiple submitters, no conflicts (2 of 4 stars). 2 submissions from 2 submitters: Likely benign (2). Last evaluated 2025-08-11.

Allele frequency attached by ClinVar (database versions not stated): TOPMed 0.00004; ESP Exome Variant Server 0.00008; ExAC 0.00002; gnomAD 0.00003.

Submissions (2):

Labcorp Genetics (formerly Invitae), Labcorp
Classification: Likely benign. Last evaluated: 2025-08-11. Review status: criteria provided, single submitter. Criteria: Invitae Variant Classification Sherloc (09022015). Collection method: clinical testing. Allele origin: germline.

CeGaT Center for Human Genetics Tuebingen
Classification: Likely benign. Last evaluated: 2022-05-01. Review status: criteria provided, single submitter. Criteria: CeGaT Center For Human Genetics Tuebingen Variant Classification Criteria Version 2. Collection method: clinical testing. Allele origin: germline. Affected: yes. Observed: 1 variant allele.
Comment: AAAS: BP4, BP7